The following is an entry in ClinVar:

ClinVar aggregate classification (germline): Uncertain significance (1 of 4 stars; one submission).

Conditions:
Catecholaminergic polymorphic ventricular tachycardia 1. Also called: RYR2-Related Catecholaminergic Polymorphic Ventricular Tachycardia; VENTRICULAR TACHYCARDIA, STRESS-INDUCED POLYMORPHIC 1; VENTRICULAR TACHYCARDIA, CATECHOLAMINERGIC POLYMORPHIC, 1, WITH OR WITHOUT ATRIAL DYSFUNCTION AND/OR DILATED CARDIOMYOPATHY. Identifiers: Orphanet 3286, MedGen C1631597, MONDO:0011484, OMIM 604772.

Submission:

Labcorp Genetics (formerly Invitae), Labcorp
Classification: Uncertain significance for Catecholaminergic polymorphic ventricular tachycardia 1. Last evaluated: 2025-10-13. Review status: criteria provided, single submitter. Criteria: Invitae Variant Classification Sherloc (09022015). Collection method: clinical testing. Allele origin: germline.
Comment: This sequence change creates a premature translational stop signal (p.Gln2275Lysfs*8) in the RYR2 gene. It is expected to result in an absent or disrupted protein product. However, the current clinical and genetic evidence is not sufficient to establish whether loss-of-function variants in RYR2 cause disease. This variant is not present in population databases (gnomAD no frequency). This variant has not been reported in the literature in individuals affected with RYR2-related conditions. Algorithms developed to predict the effect of sequence changes on RNA splicing suggest that this variant may disrupt the consensus splice site. In summary, the available evidence is currently insufficient to determine the role of this variant in disease. Therefore, it has been classified as a Variant of Uncertain Significance.

NM_001035.3(RYR2):c.6822_6823del (p.Gln2275fs)

Gene: RYR2 (ryanodine receptor 2; plus strand). Cytogenetic location: 1q43.
Variant type: Deletion.
Coding change: c.6822_6823del on transcript NM_001035.3 (MANE Select); coding-DNA positions 6822 to 6823, 2 bases deleted (GC; older notation c.6822_6823delGC).
Protein change: p.Gln2275fs; shifts the reading frame from glutamine 2275.
Molecular consequence: frameshift variant.
Genome position (GRCh38, 1-based): chr1:237,638,386-237,638,387, GC deleted. VCF-style (leftmost placement, unchanged base first): chr1-237638385-TGC-T. GRCh37 (hg19) VCF-style: chr1-237801685-TGC-T.
Other names: short protein forms Q2275fs.
Identifiers: ClinVar variation 4722489 (VCV004722489.1).